The following is an entry in ClinVar:

ClinVar aggregate classification (germline): Pathogenic (1 of 4 stars; one submission).

Conditions:
Neurofibromatosis, type 1 (NF1). Also called: Peripheral type neurofibromatosis; VON RECKLINGHAUSEN DISEASE; NEUROFIBROMATOSIS, TYPE I, SOMATIC; Neurofibromatosis, type I. Identifiers: Orphanet 636, MedGen C0027831, MONDO:0018975, OMIM 162200. Disease mechanism: loss of function.

Submission:

Labcorp Genetics (formerly Invitae), Labcorp
Classification: Pathogenic for Neurofibromatosis, type 1. Last evaluated: 2019-07-16. Review status: criteria provided, single submitter. Criteria: Invitae Variant Classification Sherloc (09022015). Collection method: clinical testing. Allele origin: germline.
Comment: A gross deletion of the genomic region encompassing the full coding sequence of the NF1 gene has been identified. The boundaries of this event are unknown as the deletion extends beyond the assayed region for this gene and therefore may encompass additional genes. Isolated whole-gene deletions of NF1 have not been reported in the literature. However, many larger copy number events that include this gene have been reported (PMID: 8116612, 9643287, 8931693, 25541118, 22837079, 25480383). Loss-of-function variants in NF1 are known to be pathogenic (PMID: 10712197, 23913538). For these reasons, this variant has been classified as Pathogenic.

Literature cited by the submitters: PubMed 9643287; PubMed 25480383; PubMed 8116612; PubMed 25541118; PubMed 22837079; PubMed 8931693.

NC_000017.11:g.(?_31095300)_(31374165_?)del

Genes: EVI2A (ecotropic viral integration site 2A; minus strand), EVI2B (ecotropic viral integration site 2B; minus strand), MIR4733HG (MIR4733 host gene; minus strand), NF1 (neurofibromin 1; plus strand), OMG (oligodendrocyte myelin glycoprotein; minus strand) and 10 more. Cytogenetic location: 17q11.2.
Variant type: Deletion.
Identifiers: ClinVar variation 583583 (VCV000583583.3).